The following is an entry in ClinVar:

ClinVar aggregate classification (germline): Conflicting classifications of pathogenicity. Review status: criteria provided, conflicting classifications (1 of 4 stars). 4 submissions from 4 submitters: Uncertain significance (3); Likely benign (1). Last evaluated 2025-12-15.

Conditions:
Hereditary cancer-predisposing syndrome. Also called: Tumor predisposition; Hereditary neoplastic syndrome; Hereditary Cancer Syndrome; Neoplastic Syndromes, Hereditary. Identifiers: Orphanet 140162, MedGen C0027672, MeSH D009386, MONDO:0015356.
Hereditary breast ovarian cancer syndrome. Also called: Hereditary breast and ovarian cancer; Breast and ovarian cancer; BRCA1- and BRCA2-Associated Hereditary Breast and Ovarian Cancer; Hereditary breast and ovarian cancer syndrome (HBOC); Hereditary breast and/or ovarian cancer syndrome; Hereditary breast and ovarian cancer syndrome. Identifiers: Orphanet 145, MedGen C0677776, MeSH D061325, MONDO:0003582. Disease mechanism: loss of function.

Submissions (4):

Ambry Genetics
Classification: Uncertain significance for Hereditary cancer-predisposing syndrome. Last evaluated: 2025-12-15. Review status: criteria provided, single submitter. Criteria: Ambry Variant Classification Scheme 2023. Collection method: clinical testing. Allele origin: germline.

Labcorp Genetics (formerly Invitae), Labcorp
Classification: Uncertain significance for Hereditary breast ovarian cancer syndrome. Last evaluated: 2024-09-06. Review status: criteria provided, single submitter. Criteria: Invitae Variant Classification Sherloc (09022015). Collection method: clinical testing. Allele origin: germline.
Comment: This sequence change replaces leucine, which is neutral and non-polar, with glutamine, which is neutral and polar, at codon 786 of the BRCA1 protein (p.Leu786Gln). This variant is not present in population databases (gnomAD no frequency). This variant has not been reported in the literature in individuals affected with BRCA1-related conditions. ClinVar contains an entry for this variant (Variation ID: 924777). Invitae Evidence Modeling of protein sequence and biophysical properties (such as structural, functional, and spatial information, amino acid conservation, physicochemical variation, residue mobility, and thermodynamic stability) has been performed for this missense variant. However, the output from this modeling did not meet the statistical confidence thresholds required to predict the impact of this variant on BRCA1 protein function. In summary, the available evidence is currently insufficient to determine the role of this variant in disease. Therefore, it has been classified as a Variant of Uncertain Significance.

University of Washington Department of Laboratory Medicine, University of Washington
Classification: Likely benign for Hereditary cancer-predisposing syndrome. Last evaluated: 2023-03-23. Review status: criteria provided, single submitter. Criteria: Dines et al. (Genet Med. 2020). Collection method: curation. Allele origin: germline.
Comment: Missense variant in a coldspot region where missense variants are very unlikely to be pathogenic (PMID:31911673).

BRCA1 coldspot (exon 11 using historical exon numbering). Reclassification based on statistical prior probability

Color Diagnostics, LLC DBA Color Health
Classification: Uncertain significance for Hereditary cancer-predisposing syndrome. Last evaluated: 2019-03-04. Review status: criteria provided, single submitter. Criteria: ACMG Guidelines, 2015. Collection method: clinical testing. Allele origin: germline.

NM_007294.4(BRCA1):c.2357T>A (p.Leu786Gln)

Gene: BRCA1 (BRCA1 DNA repair associated; minus strand). Cytogenetic location: 17q21.31.
Variant type: single nucleotide variant.
Coding change: c.2357T>A on transcript NM_007294.4 (MANE Select); coding-DNA position 2357, T replaced by A.
Protein change: p.Leu786Gln; replaces leucine 786 with glutamine.
Molecular consequence: missense variant. On other transcripts: intron variant (137).
Genome position (GRCh38, 1-based): chr17:43,093,174, A>T on the plus strand (T>A on the coding strand, the complement: BRCA1 is on the minus strand). VCF-style: chr17-43093174-A-T. GRCh37 (hg19) VCF-style: chr17-41245191-A-T.
Other names: c.577+1570T>A (NM_001408514.1, NM_001408485.1, NM_001408483.1 and 9 more transcripts); c.661+1570T>A (NM_001408447.1, NM_001408433.1, NM_001408446.1 and 6 more transcripts); c.784+1570T>A (NM_001408400.1, NM_001408392.1, NM_001407986.1 and 13 more transcripts); c.664+1570T>A (NM_001408441.1, NM_001408437.1, NM_001408429.1 and 12 more transcripts); c.787+1570T>A (NM_001407979.1, NM_001407977.1, NM_001407982.1 and 17 more transcripts); c.646+1570T>A (NM_001408410.1, NM_001408458.1, NM_001408469.1 and 11 more transcripts); c.709+1570T>A (NM_001408415.1, NM_001408412.1, NM_001408409.1 and 2 more transcripts); c.2213T>A, p.Leu738Gln (NM_001407849.1, NM_001407749.1, NM_001407838.1 and 20 more transcripts); and 41 more; short protein forms L739Q, L786Q, L659Q, L718Q, L719Q, L783Q, L785Q, L490Q.
Identifiers: ClinVar variation 924777 (VCV000924777.16), dbSNP rs760864137, ClinGen allele CA10597295.
Genomic context (GRCh38, chr17:43,093,174, plus strand): 5'-GCACACTGACTCACACATTTATTTGGTTCTGTTTTTGCCTTCCCTAGAGTGCTAACTTCC[A>T]GTAACGAGATACTTTCCTGAGTGCCATAATCAGTACCAGGTACCAATGAAATACTGCTAC-3'
Protein context (NP_009225.1, residues 776-796): DYGTQESISL[Leu786Gln]EVSTLGKAKT